The following is an entry in ClinVar:

ClinVar aggregate classification (germline): Uncertain significance (1 of 4 stars; one submission).

Conditions:
Fibrous dysplasia of jaw (CRBM). Also called: Cherubism. Identifiers: Orphanet 184, MedGen C0008029, MONDO:0007315, OMIM 118400.

gnomAD v4.1: 1 of 1,590,974 alleles (0.000063%); highest among the groups gnomAD compares: South Asian, 0.0011%; no homozygotes.

Submission:

Labcorp Genetics (formerly Invitae), Labcorp
Classification: Uncertain significance for Fibrous dysplasia of jaw. Last evaluated: 2024-06-12. Review status: criteria provided, single submitter. Criteria: Invitae Variant Classification Sherloc (09022015). Collection method: clinical testing. Allele origin: germline.
Comment: This sequence change replaces arginine, which is basic and polar, with lysine, which is basic and polar, at codon 193 of the SH3BP2 protein (p.Arg193Lys). This variant is present in population databases (no rsID available, gnomAD 0.004%). This variant has not been reported in the literature in individuals affected with SH3BP2-related conditions. Advanced modeling of protein sequence and biophysical properties (such as structural, functional, and spatial information, amino acid conservation, physicochemical variation, residue mobility, and thermodynamic stability) performed at Invitae indicates that this missense variant is not expected to disrupt SH3BP2 protein function with a negative predictive value of 80%. In summary, the available evidence is currently insufficient to determine the role of this variant in disease. Therefore, it has been classified as a Variant of Uncertain Significance.

NM_001122681.2(SH3BP2):c.578G>A (p.Arg193Lys)

Gene: SH3BP2 (SH3 domain binding protein 2; plus strand). Cytogenetic location: 4p16.3.
Variant type: single nucleotide variant.
Coding change: c.578G>A on transcript NM_001122681.2 (MANE Select); coding-DNA position 578, G replaced by A.
Protein change: p.Arg193Lys; replaces arginine 193 with lysine.
Molecular consequence: missense variant.
Genome position (GRCh38, 1-based): chr4:2,827,666, G>A. VCF-style: chr4-2827666-G-A. GRCh37 (hg19) VCF-style: chr4-2829393-G-A.
Other names: c.662G>A, p.Arg221Lys (NM_001145855.2); c.749G>A, p.Arg250Lys (NM_001145856.2); c.578G>A, p.Arg193Lys (NM_003023.4); short protein forms R193K, R221K, R250K.
Identifiers: ClinVar variation 3622814 (VCV003622814.2).
Genomic context (GRCh38, chr4:2,827,666, plus strand): 5'-ACTATGAGCACGACGATGAGGATGACTCCTACCTGGAGCCTGACTCCCCGGAGCCCGGAA[G>A]GCTTGAGGGTAGGTGGGGCGGGTGGGCCCGGGGAGCTCTGGGTGTGTAGGAAGCAGGGGC-3'
Protein context (NP_001116153.1, residues 183-203): YLEPDSPEPG[Arg193Lys]LEDALMHPPA